The following is an entry in ClinVar:

ClinVar aggregate classification (germline): Likely pathogenic (1 of 4 stars; one submission).

Allele frequency attached by ClinVar (database versions not stated): gnomAD exomes below 0.00001.
gnomAD v4.1: 2 of 1,614,030 alleles (0.00012%); highest among the groups gnomAD compares: Non-Finnish European, 0.00017%; no homozygotes.

Submission:

Labcorp Genetics (formerly Invitae), Labcorp
Classification: Likely pathogenic. Last evaluated: 2024-02-22. Review status: criteria provided, single submitter. Criteria: Invitae Variant Classification Sherloc (09022015). Collection method: clinical testing. Allele origin: germline.
Comment: This sequence change affects an acceptor splice site in intron 35 of the ATR gene. It is expected to disrupt RNA splicing. Variants that disrupt the donor or acceptor splice site typically lead to a loss of protein function (PMID: 16199547), and loss-of-function variants in ATR are known to be pathogenic (PMID: 21228398, 23144622). This variant is not present in population databases (gnomAD no frequency). This variant has not been reported in the literature in individuals affected with ATR-related conditions. Algorithms developed to predict the effect of sequence changes on RNA splicing suggest that this variant may disrupt the consensus splice site. In summary, the currently available evidence indicates that the variant is pathogenic, but additional data are needed to prove that conclusively. Therefore, this variant has been classified as Likely Pathogenic.

Literature cited by the submitters: PubMed 16199547; PubMed 21228398; PubMed 23144622.

NM_001184.4(ATR):c.6079-2A>G

Genes: ATR (ATR checkpoint kinase; minus strand), LOC126806830 (BRD4-independent group 4 enhancer GRCh37_chr3:142203676-142204875; plus strand). Cytogenetic location: 3q23.
Variant type: single nucleotide variant.
Coding change: c.6079-2A>G on transcript NM_001184.4 (MANE Select); the canonical splice acceptor site of the intron before coding-DNA position 6079, A replaced by G.
Molecular consequence: splice acceptor variant.
Genome position (GRCh38, 1-based): chr3:142,485,284, T>C on the plus strand (A>G on the coding strand, the complement: ATR is on the minus strand). VCF-style: chr3-142485284-T-C. GRCh37 (hg19) VCF-style: chr3-142204126-T-C.
Other names: c.5887-2A>G (NM_001354579.2).
Identifiers: ClinVar variation 2764501 (VCV002764501.3), dbSNP rs2108311768, ClinGen allele CA354809840.